The following is an entry in ClinVar:

ClinVar aggregate classification (germline): Likely benign. Review status: criteria provided, single submitter (1 of 4 stars). 2 submissions from 2 submitters: Likely benign (1). 1 of the submissions does not count toward it. Last evaluated 2024-11-18.

Conditions:
PLXNA2-related disorder. Also called: PLXNA2-related condition.

Allele frequency attached by ClinVar (database versions not stated): TOPMed 0.00003; gnomAD 0.00004; ExAC 0.00005; ESP Exome Variant Server 0.00008; 1000 Genomes Project 30x 0.00016; 1000 Genomes Project 0.00020; gnomAD exomes 0.00024.
gnomAD v4.1: 332 of 1,558,508 alleles (0.021%); highest among the groups gnomAD compares: Non-Finnish European, 0.028%; 1 homozygote.

Submissions (2):

Labcorp Genetics (formerly Invitae), Labcorp
Classification: Likely benign. Last evaluated: 2024-11-18. Review status: criteria provided, single submitter. Criteria: Invitae Variant Classification Sherloc (09022015). Collection method: clinical testing. Allele origin: germline.

PreventionGenetics, part of Exact Sciences
Classification: Likely benign for PLXNA2-related condition. Last evaluated: 2021-12-13. Review status: no assertion criteria provided. Collection method: clinical testing. Allele origin: germline. Not counted in ClinVar's aggregate classification.
Comment: This variant is classified as likely benign based on ACMG/AMP sequence variant interpretation guidelines (Richards et al. 2015 PMID: 25741868, with internal and published modifications).

NM_025179.4(PLXNA2):c.2396-10C>G

Gene: PLXNA2 (plexin A2; minus strand). Cytogenetic location: 1q32.2.
Variant type: single nucleotide variant.
Coding change: c.2396-10C>G on transcript NM_025179.4 (MANE Select); 10 bases into the intron before coding-DNA position 2396, C replaced by G.
Molecular consequence: intron variant.
Genome position (GRCh38, 1-based): chr1:208,079,460, G>C on the plus strand (C>G on the coding strand, the complement: PLXNA2 is on the minus strand). VCF-style: chr1-208079460-G-C. GRCh37 (hg19) VCF-style: chr1-208252805-G-C.
Identifiers: ClinVar variation 3047734 (VCV003047734.4), dbSNP rs370270442, ClinGen allele CA1373526.
Genomic context (GRCh38, chr1:208,079,460, plus strand): 5'-TGAGGCAGAGGCCGCAGCTCTCCCGCTGGGCTGCACACTTGTAGAGATGGACTGCAAAGA[G>C]AGCAGGTGGTCACAGATGAAACCAGAAAGGGCTGCTCACAATGCACCCTCCTCTTGCAGG-3'